The following is an entry in ClinVar:

NM_020297.4(ABCC9):c.146G>T (p.Trp49Leu)

Gene: ABCC9 (ATP binding cassette subfamily C member 9; minus strand). Cytogenetic location: 12p12.1.
Variant type: single nucleotide variant.
Coding change: c.146G>T on transcript NM_020297.4 (MANE Select); coding-DNA position 146, G replaced by T.
Protein change: p.Trp49Leu; replaces tryptophan 49 with leucine.
Molecular consequence: missense variant. On other transcripts: 5 prime UTR variant (1).
Genome position (GRCh38, 1-based): chr12:21,933,920, C>A on the plus strand (G>T on the coding strand, the complement: ABCC9 is on the minus strand). VCF-style: chr12-21933920-C-A. GRCh37 (hg19) VCF-style: chr12-22086854-C-A.
Other names: c.146G>T, p.Trp49Leu (NM_001377273.1, NM_005691.4); c.-309G>T (NM_001377274.1); short protein forms W49L.
Identifiers: ClinVar variation 2625273 (VCV002625273.4), dbSNP rs886049175, ClinGen allele CA384131988.

ClinVar aggregate classification (germline): Uncertain significance. Review status: criteria provided, multiple submitters, no conflicts (2 of 4 stars). 2 submissions from 2 submitters: Uncertain significance (2). Last evaluated 2025-12-15.

Conditions:
Dilated cardiomyopathy 1O (CMD1O). Also called: CARDIOMYOPATHY, DILATED, WITH VENTRICULAR TACHYCARDIA. Identifiers: Orphanet 154, MedGen C1837839, MONDO:0012062, OMIM 608569.
Cardiovascular phenotype. Identifiers: MedGen CN230736.

gnomAD v4.1: 3 of 1,613,366 alleles (0.00019%); highest among the groups gnomAD compares: Admixed American, 0.0017%; no homozygotes.

Submissions (2):

Labcorp Genetics (formerly Invitae), Labcorp
Classification: Uncertain significance for Dilated cardiomyopathy 1O. Last evaluated: 2025-12-15. Review status: criteria provided, single submitter. Criteria: Invitae Variant Classification Sherloc (09022015). Collection method: clinical testing. Allele origin: germline.
Comment: This sequence change replaces tryptophan, which is neutral and slightly polar, with leucine, which is neutral and non-polar, at codon 49 of the ABCC9 protein (p.Trp49Leu). This variant is present in population databases (no rsID available, gnomAD 0.003%). This variant has not been reported in the literature in individuals affected with ABCC9-related conditions. ClinVar contains an entry for this variant (Variation ID: 2625273). Invitae Evidence Modeling of protein sequence and biophysical properties (such as structural, functional, and spatial information, amino acid conservation, physicochemical variation, residue mobility, and thermodynamic stability) has been performed for this missense variant. However, the output from this modeling did not meet the statistical confidence thresholds required to predict the impact of this variant on ABCC9 protein function. In summary, the available evidence is currently insufficient to determine the role of this variant in disease. Therefore, it has been classified as a Variant of Uncertain Significance.

Ambry Genetics
Classification: Uncertain significance for Cardiovascular phenotype. Last evaluated: 2023-07-05. Review status: criteria provided, single submitter. Criteria: Ambry Variant Classification Scheme 2023. Collection method: clinical testing. Allele origin: germline.
Comment: The p.W49L variant (also known as c.146G>T), located in coding exon 2 of the ABCC9 gene, results from a G to T substitution at nucleotide position 146. The tryptophan at codon 49 is replaced by leucine, an amino acid with similar properties. This amino acid position is highly conserved in available vertebrate species. In addition, this alteration is predicted to be deleterious by in silico analysis. Since supporting evidence is limited at this time, the clinical significance of this alteration remains unclear.